The following is an entry in ClinVar:

NM_000079.4(CHRNA1):c.1003-53A>G

Gene: CHRNA1 (cholinergic receptor nicotinic alpha 1 subunit; minus strand). Cytogenetic location: 2q31.1.
Variant type: single nucleotide variant.
Coding change: c.1003-53A>G on transcript NM_000079.4 (MANE Select); 53 bases into the intron before coding-DNA position 1003, A replaced by G.
Molecular consequence: intron variant.
Genome position (GRCh38, 1-based): chr2:174,748,872, T>C on the plus strand (A>G on the coding strand, the complement: CHRNA1 is on the minus strand). VCF-style: chr2-174748872-T-C. GRCh37 (hg19) VCF-style: chr2-175613600-T-C.
Other names: c.1078-53A>G (NM_001039523.3).
Identifiers: ClinVar variation 679132 (VCV000679132.5), dbSNP rs2646159, ClinGen allele CA16119459.

ClinVar aggregate classification (germline): Benign. Review status: criteria provided, multiple submitters, no conflicts (2 of 4 stars). 5 submissions from 3 submitters: Benign (5). Last evaluated 2021-07-22.

Conditions:
Lethal multiple pterygium syndrome (LMPS). Identifiers: Orphanet 33108, MedGen C1854678, MONDO:0009668, OMIM 253290.
Myasthenic syndrome, congenital, 1B, fast-channel. Also called: Fast-Channel Congenital Myasthenia Syndrome. Identifiers: Orphanet 590, MedGen C4225405, MONDO:0012156, OMIM 608930.
Myasthenic syndrome, congenital, 1A, slow-channel. Also called: CMS IIa; MYASTHENIC SYNDROME, CONGENITAL, TYPE IIa; Congenital myasthenic syndrome 1A. Identifiers: MedGen C2931107, MONDO:0011088, OMIM 601462.

Allele frequency attached by ClinVar (database versions not stated): TOPMed 0.86496; 1000 Genomes Project 0.88319; 1000 Genomes Project 30x 0.88101; gnomAD 0.87287.

Submissions (5):

Genome-Nilou Lab
Classification: Benign for Myasthenic syndrome, congenital, 1A, slow-channel. Last evaluated: 2021-07-22. Review status: criteria provided, single submitter. Criteria: ACMG Guidelines, 2015. Collection method: clinical testing. Allele origin: germline. Affected: no.

Genome-Nilou Lab
Classification: Benign for Myasthenic syndrome, congenital, 1B, fast-channel. Last evaluated: 2021-07-22. Review status: criteria provided, single submitter. Criteria: ACMG Guidelines, 2015. Collection method: clinical testing. Allele origin: germline. Affected: no.

Genome-Nilou Lab
Classification: Benign for Lethal multiple pterygium syndrome. Last evaluated: 2021-07-22. Review status: criteria provided, single submitter. Criteria: ACMG Guidelines, 2015. Collection method: clinical testing. Allele origin: germline. Affected: no.

GeneDx
Classification: Benign. Last evaluated: 2018-06-16. Review status: criteria provided, single submitter. Criteria: GeneDx Variant Classification (06012015). Collection method: clinical testing. Allele origin: germline. Affected: yes.
Comment: This variant is considered likely benign or benign based on one or more of the following criteria: it is a conservative change, it occurs at a poorly conserved position in the protein, it is predicted to be benign by multiple in silico algorithms, and/or has population frequency not consistent with disease.

Breakthrough Genomics
Classification: Benign. Review status: criteria provided, single submitter. Criteria: ACMG Guidelines, 2015. Collection method: not provided. Allele origin: germline. Inheritance: Autosomal recessive inheritance. Affected: yes.